The following is an entry in ClinVar:

ClinVar aggregate classification (germline): Uncertain significance (1 of 4 stars; one submission).

Conditions:
HSF4-related disorder. Also called: HSF4-related condition.

gnomAD v4.1: 2 of 1,613,226 alleles (0.00012%); highest among the groups gnomAD compares: South Asian, 0.0022%; no homozygotes.

Submission:

PreventionGenetics, part of Exact Sciences
Classification: Uncertain significance for HSF4-related condition. Last evaluated: 2025-05-08. Review status: criteria provided, single submitter. Criteria: ACMG Guidelines, 2015. Collection method: clinical testing. Allele origin: germline.
Comment: The HSF4 c.1149C>G variant is predicted to result in the amino acid substitution p.Asp383Glu. To our knowledge, this variant has not been reported in the literature. This variant is reported in 0.0065% of alleles in individuals of South Asian descent in gnomAD. At this time, the clinical significance of this variant is uncertain due to the absence of conclusive functional and genetic evidence.

NM_001374675.1(HSF4):c.1239C>G (p.Asp413Glu)

Gene: HSF4 (heat shock transcription factor 4; plus strand). Cytogenetic location: 16q22.1.
Variant type: single nucleotide variant.
Coding change: c.1239C>G on transcript NM_001374675.1 (MANE Select); coding-DNA position 1239, C replaced by G.
Protein change: p.Asp413Glu; replaces aspartic acid 413 with glutamic acid.
Molecular consequence: missense variant.
Genome position (GRCh38, 1-based): chr16:67,169,086, C>G. VCF-style: chr16-67169086-C-G. GRCh37 (hg19) VCF-style: chr16-67202989-C-G.
Other names: c.1239C>G, p.Asp413Glu (NM_001040667.3); c.1149C>G, p.Asp383Glu (NM_001374674.1, NM_001538.4); short protein forms D413E, D383E.
Identifiers: ClinVar variation 5001891 (VCV005001891.1).
Genomic context (GRCh38, chr16:67,169,086, plus strand): 5'-CTCTCCTCAGGTGCTGGGCCCCAGTCTCCAAGGGCGAGAATGGACCCTGATGGACTTGGA[C>G]ATGGAGCTGTCCTTGGTAAGAAGTGGGTCGGGGAGGGCAGAGGCCAGGGGTGGCTGAGTC-3'
Protein context (NP_001361604.1, residues 403-423): QGREWTLMDL[Asp413Glu]MELSLMQPLV